The following is an entry in ClinVar:

NM_001359.2(DECR1):c.860A>G (p.Asp287Gly)

Gene: DECR1 (2,4-dienoyl-CoA reductase 1; plus strand). Cytogenetic location: 8q21.3.
Variant type: single nucleotide variant.
Coding change: c.860A>G on transcript NM_001359.2 (MANE Select); coding-DNA position 860, A replaced by G.
Protein change: p.Asp287Gly; replaces aspartic acid 287 with glycine.
Molecular consequence: missense variant.
Genome position (GRCh38, 1-based): chr8:90,044,970, A>G. VCF-style: chr8-90044970-A-G. GRCh37 (hg19) VCF-style: chr8-91057198-A-G.
Other names: p.Asp287Gly; c.833A>G, p.Asp278Gly (NM_001330575.2); short protein forms D278G, D287G.
Identifiers: ClinVar variation 3056853 (VCV003056853.3), dbSNP rs148549954, ClinGen allele CA4803464.

ClinVar aggregate classification (germline): Likely benign. Review status: criteria provided, single submitter (1 of 4 stars). 2 submissions from 2 submitters: Likely benign (1). 1 of the submissions does not count toward it. Last evaluated 2025-08-20.

Conditions:
DECR1-related disorder. Also called: DECR1-related condition.

Allele frequency attached by ClinVar (database versions not stated): 1000 Genomes Project 30x 0.00031; 1000 Genomes Project 0.00040; gnomAD 0.00194; ExAC 0.00166; ESP Exome Variant Server 0.00238; TOPMed 0.00194; gnomAD exomes 0.00305.
gnomAD v4.1: 4,718 of 1,613,748 alleles (0.29%); highest among the groups gnomAD compares: Non-Finnish European, 0.37%; 18 homozygotes.

Submissions (2):

Mayo Clinic Laboratories, Mayo Clinic
Classification: Likely benign. Last evaluated: 2025-08-20. Review status: criteria provided, single submitter. Criteria: ACMG Guidelines, 2015. Collection method: clinical testing. Allele origin: germline. Observed: 1 variant allele.
Comment: BS2, PM2_supporting

PreventionGenetics, part of Exact Sciences
Classification: Likely benign for DECR1-related condition. Last evaluated: 2022-08-11. Review status: no assertion criteria provided. Collection method: clinical testing. Allele origin: germline. Not counted in ClinVar's aggregate classification.
Comment: This variant is classified as likely benign based on ACMG/AMP sequence variant interpretation guidelines (Richards et al. 2015 PMID: 25741868, with internal and published modifications).